The following is an entry in ClinVar:

ClinVar aggregate classification (germline): Pathogenic (1 of 4 stars; one submission).

Submission:

GeneDx
Classification: Pathogenic. Last evaluated: 2016-05-24. Review status: criteria provided, single submitter. Criteria: GeneDx Variant Classification (06012015). Collection method: clinical testing. Allele origin: germline. Affected: yes.
Comment: The c.6629_6651del23 pathogenic variant in the ARID1B gene has not been reported previously as a pathogenic variant nor as a benign variant, to our knowledge. The c.6629_6651del23 variant causes a frameshift starting with codon Glutamic acid 2210, changes this amino acid to an Alanine residue, and creates a premature Stop codon at position 24 of the new reading frame, denoted p.Glu2210AlafsX24. This variant causes the last 44 amino acids of the ARID1B protein to be replaced by 23 incorrect amino acids and is predicted to cause loss of normal protein function through protein truncation. The c.6629_6651del23 variant was not observed in approximately 6500 individuals of European and African American ancestry in the NHLBI Exome Sequencing Project, indicating it is not a common benign variant in these populations. Therefore, we interpret c.6629_6651del23 as a pathogenic variant.

NM_001374828.1(ARID1B):c.6998_7020del (p.Glu2333fs)

Gene: ARID1B (AT-rich interaction domain 1B; plus strand). Cytogenetic location: 6q25.3.
Variant type: Deletion.
Coding change: c.6998_7020del on transcript NM_001374828.1 (MANE Select); coding-DNA positions 6998 to 7020, 23 bases deleted (AAAACCGCTCGGAATTCCTTTTG).
Protein change: p.Glu2333fs; shifts the reading frame from glutamic acid 2333.
Molecular consequence: frameshift variant.
Genome position (GRCh38, 1-based): chr6:157,207,770-157,207,792, AAAACCGCTCGGAATTCCTTTTG deleted; deleting any 23 consecutive bases within chr6:157,207,769-157,207,792 gives the same sequence; the c. name uses the placement nearest the transcript's 3' end. VCF-style (leftmost placement, unchanged base first): chr6-157207768-CGAAAACCGCTCGGAATTCCTTTT-C. GRCh37 (hg19) VCF-style: chr6-157528902-CGAAAACCGCTCGGAATTCCTTTT-C.
Other names: c.6629_6651delAAAACCGCTCGGAATTCCTTTTG (NM_020732.3); c.6629_6651del23 (NM_020732.3); c.4499_4521del, p.Glu1500fs (NM_001363725.2); c.6878_6900del, p.Glu2293fs (NM_001371656.1, NM_001374820.1); c.6839_6861del, p.Glu2280fs (NM_017519.3); short protein forms E1500fs, E2280fs, E2293fs, E2333fs.
Identifiers: ClinVar variation 280636 (VCV000280636.2), dbSNP rs886041804, ClinGen allele CA10602939.